The following is an entry in ClinVar:

NM_001384732.1(CPLANE1):c.1886A>G (p.His629Arg)

Gene: CPLANE1 (ciliogenesis and planar polarity effector complex subunit 1; minus strand). Cytogenetic location: 5p13.2.
Variant type: single nucleotide variant.
Coding change: c.1886A>G on transcript NM_001384732.1 (MANE Select); coding-DNA position 1886, A replaced by G.
Protein change: p.His629Arg; replaces histidine 629 with arginine.
Molecular consequence: missense variant.
Genome position (GRCh38, 1-based): chr5:37,226,709, T>C on the plus strand (A>G on the coding strand, the complement: CPLANE1 is on the minus strand). VCF-style: chr5-37226709-T-C. GRCh37 (hg19) VCF-style: chr5-37226811-T-C.
Other names: c.1886A>G, p.His629Arg (NM_023073.4); short protein forms H629R.
Identifiers: ClinVar variation 1428680 (VCV001428680.8), dbSNP rs1580894223, ClinGen allele CA359498454.

ClinVar aggregate classification (germline): Uncertain significance (1 of 4 stars; one submission).

Submission:

Labcorp Genetics (formerly Invitae), Labcorp
Classification: Uncertain significance. Last evaluated: 2025-10-02. Review status: criteria provided, single submitter. Criteria: Invitae Variant Classification Sherloc (09022015). Collection method: clinical testing. Allele origin: germline.
Comment: This sequence change replaces histidine, which is basic and polar, with arginine, which is basic and polar, at codon 629 of the CPLANE1 protein (p.His629Arg). This variant is not present in population databases (gnomAD no frequency). This variant has not been reported in the literature in individuals affected with CPLANE1-related conditions. ClinVar contains an entry for this variant (Variation ID: 1428680). Invitae Evidence Modeling of protein sequence and biophysical properties (such as structural, functional, and spatial information, amino acid conservation, physicochemical variation, residue mobility, and thermodynamic stability) indicates that this missense variant is not expected to disrupt CPLANE1 protein function with a negative predictive value of 95%. In summary, the available evidence is currently insufficient to determine the role of this variant in disease. Therefore, it has been classified as a Variant of Uncertain Significance.